The following is an entry in ClinVar:

ClinVar aggregate classification (germline): Uncertain significance. Review status: criteria provided, multiple submitters, no conflicts (2 of 4 stars). 3 submissions from 3 submitters: Uncertain significance (3). Last evaluated 2026-08-01.

Conditions:
Ullrich congenital muscular dystrophy 2 (UCMD2). Identifiers: Orphanet 75840, MedGen C4225314, MONDO:0014654, OMIM 616470.
Bethlem myopathy 2 (BTHLM2). Identifiers: Orphanet 536516, Orphanet 610, MedGen C4225313, MONDO:0034022, OMIM 616471.

gnomAD v4.1: 1 of 1,594,838 alleles (0.000063%); highest among the groups gnomAD compares: Non-Finnish European, 0.000085%; no homozygotes.

Submissions (3):

CeGaT Center for Human Genetics Tuebingen
Classification: Uncertain significance. Last evaluated: 2026-08-01. Review status: criteria provided, single submitter. Criteria: CeGaT Center For Human Genetics Tuebingen Variant Classification Criteria Version 2. Collection method: clinical testing. Allele origin: germline. Affected: yes. Observed: 1 variant allele.
Comment: COL12A1: PM2, BP4

GeneDx
Classification: Uncertain significance. Last evaluated: 2019-12-02. Review status: criteria provided, single submitter. Criteria: GeneDx Variant Classification Process June 2021. Collection method: clinical testing. Allele origin: germline. Affected: yes.
Comment: Has not been previously published as pathogenic or benign to our knowledge; Not observed at a significant frequency in large population cohorts (Lek et al., 2016); In silico analysis, which includes protein predictors and evolutionary conservation, supports that this variant does not alter protein structure/function

Labcorp Genetics (formerly Invitae), Labcorp
Classification: Uncertain significance for Bethlem myopathy 2; Ullrich congenital muscular dystrophy 2. Last evaluated: 2019-06-12. Review status: criteria provided, single submitter. Criteria: Invitae Variant Classification Sherloc (09022015). Collection method: clinical testing. Allele origin: germline.
Comment: This sequence change replaces alanine with threonine at codon 631 of the COL12A1 protein (p.Ala631Thr). The alanine residue is weakly conserved and there is a small physicochemical difference between alanine and threonine. This variant also falls at the last nucleotide of exon 10 of the COL12A1 coding sequence, which is part of the consensus splice site for this exon. This variant is not present in population databases (ExAC no frequency). This variant has not been reported in the literature in individuals with COL12A1-related conditions. Algorithms developed to predict the effect of missense changes on protein structure and function (SIFT, PolyPhen-2, Align-GVGD) all suggest that this variant is likely to be tolerated, but these predictions have not been confirmed by published functional studies and their clinical significance is uncertain. Nucleotide substitutions within the consensus splice site are a relatively common cause of aberrant splicing (PMID: 17576681, 9536098). Algorithms developed to predict the effect of sequence changes on RNA splicing suggest that this variant may disrupt the consensus splice site, but this prediction has not been confirmed by published transcriptional studies. In summary, the available evidence is currently insufficient to determine the role of this variant in disease. Therefore, it has been classified as a Variant of Uncertain Significance.

Literature cited by the submitters: PubMed 17576681 (cited by Labcorp Genetics (formerly Invitae), Labcorp); PubMed 9536098 (cited by Labcorp Genetics (formerly Invitae), Labcorp).

NM_004370.6(COL12A1):c.1891G>A (p.Ala631Thr)

Gene: COL12A1 (collagen type XII alpha 1 chain; minus strand). Cytogenetic location: 6q13.
Variant type: single nucleotide variant.
Coding change: c.1891G>A on transcript NM_004370.6 (MANE Select); coding-DNA position 1891, G replaced by A.
Protein change: p.Ala631Thr; replaces alanine 631 with threonine.
Molecular consequence: missense variant. On other transcripts: intron variant (1).
Genome position (GRCh38, 1-based): chr6:75,183,050, C>T on the plus strand (G>A on the coding strand, the complement: COL12A1 is on the minus strand). VCF-style: chr6-75183050-C-T. GRCh37 (hg19) VCF-style: chr6-75892766-C-T.
Other names: c.73+19670G>A (NM_080645.3); short protein forms A631T.
Identifiers: ClinVar variation 933902 (VCV000933902.12), dbSNP rs952803259, ClinGen allele CA364768384.